The following is an entry in ClinVar:

NM_032119.4(ADGRV1):c.12613T>G (p.Ser4205Ala)

Gene: ADGRV1 (adhesion G protein-coupled receptor V1; plus strand). Cytogenetic location: 5q14.3.
Variant type: single nucleotide variant.
Coding change: c.12613T>G on transcript NM_032119.4 (MANE Select); coding-DNA position 12613, T replaced by G.
Protein change: p.Ser4205Ala; replaces serine 4205 with alanine.
Molecular consequence: missense variant. On other transcripts: non-coding transcript variant (1).
Genome position (GRCh38, 1-based): chr5:90,777,990, T>G. VCF-style: chr5-90777990-T-G. GRCh37 (hg19) VCF-style: chr5-90073807-T-G.
Other names: short protein forms S4205A.
Identifiers: ClinVar variation 667187 (VCV000667187.16), dbSNP rs746448681, ClinGen allele CA3341294.

ClinVar aggregate classification (germline): Conflicting classifications of pathogenicity. Review status: criteria provided, conflicting classifications (1 of 4 stars). 5 submissions from 5 submitters: Uncertain significance (4); Likely benign (1). Last evaluated 2026-04-28.

Conditions:
ADGRV1-related disorder. Also called: ADGRV1-related disorders; ADGRV1-related condition.
Inborn genetic diseases. Identifiers: MedGen C0950123, MeSH D030342.

Allele frequency attached by ClinVar (database versions not stated): ExAC 0.00001; gnomAD exomes 0.00001; TOPMed 0.00002.
gnomAD v4.1: 6 of 1,604,464 alleles (0.00037%); highest among the groups gnomAD compares: Middle Eastern, 0.017%; no homozygotes.

Submissions (5):

PreventionGenetics, part of Exact Sciences
Classification: Uncertain significance for ADGRV1-related condition. Last evaluated: 2026-04-28. Review status: criteria provided, single submitter. Criteria: ACMG Guidelines, 2015. Collection method: clinical testing. Allele origin: germline.
Comment: The ADGRV1 c.12613T>G variant is predicted to result in the amino acid substitution p.Ser4205Ala. To our knowledge, this variant has not been reported in the literature. This variant is reported in 0.0093% of alleles in individuals of Latino descent in gnomAD. At this time, the clinical significance of this variant is uncertain due to the absence of conclusive functional and genetic evidence.

Ambry Genetics
Classification: Uncertain significance for Inborn genetic diseases. Last evaluated: 2025-06-03. Review status: criteria provided, single submitter. Criteria: Ambry Variant Classification Scheme 2023. Collection method: clinical testing. Allele origin: germline.

Labcorp Genetics (formerly Invitae), Labcorp
Classification: Likely benign. Last evaluated: 2024-02-19. Review status: criteria provided, single submitter. Criteria: Invitae Variant Classification Sherloc (09022015). Collection method: clinical testing. Allele origin: germline.

Blueprint Genetics
Classification: Uncertain significance. Last evaluated: 2021-09-02. Review status: criteria provided, single submitter. Criteria: ACMG Guidelines, 2015. Collection method: clinical testing. Allele origin: germline.

Laboratory for Molecular Medicine, Mass General Brigham Personalized Medicine
Classification: Uncertain significance. Last evaluated: 2018-06-29. Review status: criteria provided, single submitter. Criteria: LMM Criteria. Collection method: clinical testing. Allele origin: germline. Observed: 1 variant allele.
Comment: The p.Ser4205Ala variant in ADGRV1 has not been previously reported in individua ls with hearing loss or Usher syndrome but has been identified in 3/31572 Latino chromosomes by the Genome Aggregation Database (gnomAD; dbSNP rs746448681). Computational prediction tools and conservation a nalysis do not provide strong support for or against an impact to the protein. In summary, the clinical significance of the p.Ser4205Ala variant is uncertain. ACMG/AMP Criteria applied: PM2_Supporting.